The following is an entry in ClinVar:

ClinVar aggregate classification (germline): Likely benign. Review status: criteria provided, multiple submitters, no conflicts (2 of 4 stars). 2 submissions from 2 submitters: Likely benign (2). Last evaluated 2026-07-23.

Conditions:
UROS-related disorder. Also called: UROS-related condition.

Allele frequency attached by ClinVar (database versions not stated): gnomAD exomes below 0.00001; gnomAD 0.00001; TOPMed 0.00001.
gnomAD v4.1: 6 of 1,611,300 alleles (0.00037%); highest among the groups gnomAD compares: Admixed American, 0.0083%; no homozygotes.

Submissions (2):

PreventionGenetics, part of Exact Sciences
Classification: Likely benign for UROS-related condition. Last evaluated: 2026-07-23. Review status: criteria provided, single submitter. Criteria: ACMG Guidelines, 2015. Collection method: clinical testing. Allele origin: germline.
Comment: This variant is classified as likely benign based on ACMG/AMP sequence variant interpretation guidelines (Richards et al. 2015 PMID: 25741868, with internal and published modifications).

Labcorp Genetics (formerly Invitae), Labcorp
Classification: Likely benign. Last evaluated: 2023-10-23. Review status: criteria provided, single submitter. Criteria: Invitae Variant Classification Sherloc (09022015). Collection method: clinical testing. Allele origin: germline.

NM_000375.3(UROS):c.320-9G>A

Gene: UROS (uroporphyrinogen III synthase; minus strand). Cytogenetic location: 10q26.2.
Variant type: single nucleotide variant.
Coding change: c.320-9G>A on transcript NM_000375.3 (MANE Select); 9 bases into the intron before coding-DNA position 320, G replaced by A.
Molecular consequence: intron variant.
Genome position (GRCh38, 1-based): chr10:125,807,496, C>T on the plus strand (G>A on the coding strand, the complement: UROS is on the minus strand). VCF-style: chr10-125807496-C-T. GRCh37 (hg19) VCF-style: chr10-127496065-C-T.
Other names: c.320-9G>A (NM_001324038.2, NM_001324037.2, NM_001324036.2 and 2 more transcripts).
Identifiers: ClinVar variation 2958317 (VCV002958317.4), dbSNP rs1324577802, ClinGen allele CA471797509.